The following is an entry in ClinVar:

NM_152419.3(HGSNAT):c.1610del (p.Leu537fs)

Gene: HGSNAT (heparan-alpha-glucosaminide N-acetyltransferase; plus strand). Cytogenetic location: 8p11.21.
Variant type: Deletion.
Coding change: c.1610del on transcript NM_152419.3 (MANE Select); coding-DNA position 1610, one base deleted (T; older notation c.1610delT).
Protein change: p.Leu537fs; shifts the reading frame from leucine 537.
Molecular consequence: frameshift variant.
Genome position (GRCh38, 1-based): chr8:43,197,739, T deleted. VCF-style (leftmost placement, unchanged base first): chr8-43197738-CT-C. GRCh37 (hg19) VCF-style: chr8-43052881-CT-C.
Other names: c.1697del, p.Leu566fs (NM_001363227.2); c.1418del, p.Leu473fs (NM_001363228.2); c.746del, p.Leu249fs (NM_001363229.2); short protein forms L249fs, L537fs, L473fs, L566fs.
Identifiers: ClinVar variation 1455195 (VCV001455195.8), dbSNP rs2130821307, ClinGen allele CA2573143134.
Genomic context (GRCh38, chr8:43,197,738, plus strand): 5'-ATTTCTGTTGCTCTGACGAAGGTTTCTGAAAATGAAGGCTTTATTCCAGTAAACAAAAAT[CT>C]CTGGTATGTATGGAAAAAGCATGATTTTATGGATGACTGTTCATGCTGAAATTGGATTTG-3'

ClinVar aggregate classification (germline): Pathogenic (1 of 4 stars; one submission).

Conditions:
Mucopolysaccharidosis, MPS-III-C (MPS3C). Also called: SANFILIPPO SYNDROME C; MPS III C; MPS IIIC (Sanfilippo Syndrome Type C); MUCOPOLYSACCHARIDOSIS, TYPE IIIC; Mucopolysaccharidosis type IIIC (Sanfilippo C); mucopolysaccharidosis type 3C. Identifiers: Orphanet 581, Orphanet 79271, MedGen C0086649, MONDO:0009657, OMIM 252930.
Retinitis pigmentosa 73 (RP73). Identifiers: Orphanet 791, MedGen C4225287, MONDO:0014687, OMIM 616544.

Submission:

Labcorp Genetics (formerly Invitae), Labcorp
Classification: Pathogenic for Retinitis pigmentosa 73; Mucopolysaccharidosis, MPS-III-C. Last evaluated: 2022-09-12. Review status: criteria provided, single submitter. Criteria: Invitae Variant Classification Sherloc (09022015). Collection method: clinical testing. Allele origin: germline.
Comment: This sequence change creates a premature translational stop signal (p.Leu537Profs*27) in the HGSNAT gene. While this is not anticipated to result in nonsense mediated decay, it is expected to disrupt the last 99 amino acid(s) of the HGSNAT protein. This variant is not present in population databases (gnomAD no frequency). This variant has not been reported in the literature in individuals affected with HGSNAT-related conditions. ClinVar contains an entry for this variant (Variation ID: 1455195). This variant disrupts a region of the HGSNAT protein in which other variant(s) (p.Ser541Leu) have been determined to be pathogenic (PMID: 17033958, 19479962, 19823584). This suggests that this is a clinically significant region of the protein, and that variants that disrupt it are likely to be disease-causing. For these reasons, this variant has been classified as Pathogenic.

Literature cited by the submitters: PubMed 17033958; PubMed 19479962; PubMed 19823584.